The following is an entry in ClinVar:

ClinVar aggregate classification (germline): Uncertain significance (1 of 4 stars; one submission).

gnomAD v4.1: 4 of 1,613,904 alleles (0.00025%); highest among the groups gnomAD compares: Non-Finnish European, 0.00034%; no homozygotes.

Submission:

Labcorp Genetics (formerly Invitae), Labcorp
Classification: Uncertain significance. Last evaluated: 2024-03-04. Review status: criteria provided, single submitter. Criteria: Invitae Variant Classification Sherloc (09022015). Collection method: clinical testing. Allele origin: germline.
Comment: This sequence change replaces serine, which is neutral and polar, with cysteine, which is neutral and slightly polar, at codon 1201 of the SCN3A protein (p.Ser1201Cys). This variant is not present in population databases (gnomAD no frequency). This variant has not been reported in the literature in individuals affected with SCN3A-related conditions. Advanced modeling of protein sequence and biophysical properties (such as structural, functional, and spatial information, amino acid conservation, physicochemical variation, residue mobility, and thermodynamic stability) performed at Invitae indicates that this missense variant is not expected to disrupt SCN3A protein function with a negative predictive value of 95%. In summary, the available evidence is currently insufficient to determine the role of this variant in disease. Therefore, it has been classified as a Variant of Uncertain Significance.

NM_006922.4(SCN3A):c.3601A>T (p.Ser1201Cys)

Gene: SCN3A (sodium voltage-gated channel alpha subunit 3; minus strand). Cytogenetic location: 2q24.3.
Variant type: single nucleotide variant.
Coding change: c.3601A>T on transcript NM_006922.4 (MANE Select); coding-DNA position 3601, A replaced by T.
Protein change: p.Ser1201Cys; replaces serine 1201 with cysteine.
Molecular consequence: missense variant.
Genome position (GRCh38, 1-based): chr2:165,113,884, T>A on the plus strand (A>T on the coding strand, the complement: SCN3A is on the minus strand). VCF-style: chr2-165113884-T-A. GRCh37 (hg19) VCF-style: chr2-165970394-T-A.
Other names: c.3454A>T, p.Ser1152Cys (NM_001081676.2, NM_001081677.2); short protein forms S1201C, S1152C.
Identifiers: ClinVar variation 2697054 (VCV002697054.3), dbSNP rs1276192974, ClinGen allele CA349033673.
Genomic context (GRCh38, chr2:165,113,884, plus strand): 5'-CACTACTGAGAAGGATCATGAACACAATGAAAGTCTCAAACCAGTTGTGCTCAACAATAC[T>A]GTAGCAGGTTTTTCGAAGATTCCACCAGATCTTCCCTTTGCCTTCTTCTGTACTTACTTG-3'
Protein context (NP_008853.3, residues 1191-1211): IWWNLRKTCY[Ser1201Cys]IVEHNWFETF